The following is an entry in ClinVar:

NM_002529.4(NTRK1):c.302G>A (p.Ser101Asn)

Gene: NTRK1 (neurotrophic receptor tyrosine kinase 1; plus strand). Cytogenetic location: 1q23.1.
Variant type: single nucleotide variant.
Coding change: c.302G>A on transcript NM_002529.4 (MANE Select); coding-DNA position 302, G replaced by A.
Protein change: p.Ser101Asn; replaces serine 101 with asparagine.
Molecular consequence: missense variant.
Genome position (GRCh38, 1-based): chr1:156,864,742, G>A. VCF-style: chr1-156864742-G-A. GRCh37 (hg19) VCF-style: chr1-156834534-G-A.
Other names: p.Ser101Asn; c.212G>A, p.Ser71Asn (NM_001007792.1); c.302G>A, p.Ser101Asn (NM_001012331.2); short protein forms S101N, S71N.
Identifiers: ClinVar variation 656600 (VCV000656600.10), dbSNP rs745808991, ClinGen allele CA1168906.
Genomic context (GRCh38, chr1:156,864,742, plus strand): 5'-AGAGTAGCTGAGACCTGGGGACTGATCCTCCTGCACCCCTCCCCAGCACCATCGTGAAGA[G>A]TGGTCTCCGTTTCGTGGCGCCAGATGCCTTCCATTTCACTCCTCGGCTCAGTCGCCTGTG-3'
Protein context (NP_002520.2, residues 91-111): GELRNLTIVK[Ser101Asn]GLRFVAPDAF

ClinVar aggregate classification (germline): Uncertain significance. Review status: criteria provided, multiple submitters, no conflicts (2 of 4 stars). 3 submissions from 3 submitters: Uncertain significance (2). 1 of the submissions does not count toward it. Last evaluated 2024-04-12.

Conditions:
Hereditary insensitivity to pain with anhidrosis (CIPA). Also called: hereditary sensory and autonomic neuropathy type 4; FAMILIAL DYSAUTONOMIA, TYPE II; NEUROPATHY, CONGENITAL SENSORY, WITH ANHIDROSIS; NTRK1 Congenital Insensitivity to Pain with Anhidrosis; INSENSITIVITY TO PAIN, CONGENITAL, WITH ANHIDROSIS; HSAN Type IV. Identifiers: Orphanet 642, MedGen C0020074, MONDO:0009746, OMIM 256800.

Allele frequency attached by ClinVar (database versions not stated): gnomAD exomes 0.00002 and 0.00001; ExAC 0.00001; TOPMed 0.00002.
gnomAD v4.1: 5 of 1,614,108 alleles (0.00031%); highest among the groups gnomAD compares: Admixed American, 0.0083%; no homozygotes.

Submissions (3):

Mayo Clinic Laboratories, Mayo Clinic
Classification: Uncertain significance. Last evaluated: 2024-04-12. Review status: criteria provided, single submitter. Criteria: ACMG Guidelines, 2015. Collection method: clinical testing. Allele origin: germline. Observed: 1 variant allele.
Comment: BP4, PM2

Labcorp Genetics (formerly Invitae), Labcorp
Classification: Uncertain significance for Hereditary insensitivity to pain with anhidrosis. Last evaluated: 2021-09-02. Review status: criteria provided, single submitter. Criteria: Invitae Variant Classification Sherloc (09022015). Collection method: clinical testing. Allele origin: germline.
Comment: This sequence change replaces serine with asparagine at codon 101 of the NTRK1 protein (p.Ser101Asn). The serine residue is moderately conserved and there is a small physicochemical difference between serine and asparagine. This variant is present in population databases (rs745808991, ExAC 0.009%). This variant has not been reported in the literature in individuals affected with NTRK1-related conditions. Algorithms developed to predict the effect of missense changes on protein structure and function are either unavailable or do not agree on the potential impact of this missense change (SIFT: "Tolerated"; PolyPhen-2: "Possibly Damaging"; Align-GVGD: "Class C0"). In summary, the available evidence is currently insufficient to determine the role of this variant in disease. Therefore, it has been classified as a Variant of Uncertain Significance.

Natera, Inc.
Classification: Uncertain significance for Hereditary insensitivity to pain with anhidrosis. Last evaluated: 2020-11-05. Review status: no assertion criteria provided. Collection method: clinical testing. Allele origin: germline. Not counted in ClinVar's aggregate classification.